The following is an entry in ClinVar:

NM_003835.4(RGS9):c.976+2T>C

Gene: RGS9 (regulator of G protein signaling 9; plus strand). Cytogenetic location: 17q24.1.
Variant type: single nucleotide variant.
Coding change: c.976+2T>C on transcript NM_003835.4 (MANE Select); the canonical splice donor site of the intron after coding-DNA position 976, T replaced by C.
Molecular consequence: splice donor variant.
Genome position (GRCh38, 1-based): chr17:65,197,243, T>C. VCF-style: chr17-65197243-T-C. GRCh37 (hg19) VCF-style: chr17-63193361-T-C.
Other names: c.967+2T>C (NM_001081955.3, NM_001165933.2).
Identifiers: ClinVar variation 842759 (VCV000842759.11), dbSNP rs199537336, ClinGen allele CA293059053.

ClinVar aggregate classification (germline): Likely pathogenic. Review status: criteria provided, multiple submitters, no conflicts (2 of 4 stars). 2 submissions from 2 submitters: Likely pathogenic (2). Last evaluated 2022-02-25.

Conditions:
Retinal dystrophy. Also called: Inherited retinal dystrophy. Identifiers: Orphanet 71862, MedGen C0854723, MeSH D058499, MONDO:0019118, HP:0000556.

Allele frequency attached by ClinVar (database versions not stated): gnomAD exomes below 0.00001; gnomAD 0.00001; TOPMed 0.00002.
gnomAD v4.1: 48 of 1,577,804 alleles (0.003%); highest among the groups gnomAD compares: Non-Finnish European, 0.0042%; no homozygotes.

Submissions (2):

Labcorp Genetics (formerly Invitae), Labcorp
Classification: Likely pathogenic. Last evaluated: 2022-02-25. Review status: criteria provided, single submitter. Criteria: Invitae Variant Classification Sherloc (09022015). Collection method: clinical testing. Allele origin: germline.
Comment: In summary, the currently available evidence indicates that the variant is pathogenic, but additional data are needed to prove that conclusively. Therefore, this variant has been classified as Likely Pathogenic. Algorithms developed to predict the effect of sequence changes on RNA splicing suggest that this variant may disrupt the consensus splice site. ClinVar contains an entry for this variant (Variation ID: 842759). This variant has not been reported in the literature in individuals affected with RGS9-related conditions. This variant is present in population databases (rs199537336, gnomAD 0.002%). This sequence change affects a donor splice site in intron 13 of the RGS9 gene. It is expected to disrupt RNA splicing. Variants that disrupt the donor or acceptor splice site typically lead to a loss of protein function (PMID: 16199547), and loss-of-function variants in RGS9 are known to be pathogenic (PMID: 11262419, 14702087).

Institute of Human Genetics, Univ. Regensburg, Univ. Regensburg
Classification: Likely pathogenic for Retinal dystrophy. Last evaluated: 2020-01-01. Review status: criteria provided, single submitter. Criteria: ACMG Guidelines, 2015. Collection method: clinical testing. Allele origin: germline. Affected: yes.

Literature cited by the submitters: PubMed 16199547 (cited by Labcorp Genetics (formerly Invitae), Labcorp); PubMed 11262419 (cited by Labcorp Genetics (formerly Invitae), Labcorp); PubMed 14702087 (cited by Labcorp Genetics (formerly Invitae), Labcorp); PubMed 31964843 (cited by Institute of Human Genetics, Univ. Regensburg, Univ. Regensburg).